The following is an entry in ClinVar:

NM_017841.4(SDHAF2):c.30G>C (p.Ser10=)

Gene: SDHAF2 (succinate dehydrogenase complex assembly factor 2; plus strand). Cytogenetic location: 11q12.2.
Variant type: single nucleotide variant.
Coding change: c.30G>C on transcript NM_017841.4 (MANE Select); coding-DNA position 30, G replaced by C.
Protein change: p.Ser10=; no amino-acid change (serine 10 retained).
Molecular consequence: synonymous variant.
Genome position (GRCh38, 1-based): chr11:61,430,176, G>C. VCF-style: chr11-61430176-G-C. GRCh37 (hg19) VCF-style: chr11-61197648-G-C.
Identifiers: ClinVar variation 1668052 (VCV001668052.9), dbSNP rs2135436336, ClinGen allele CA474519176.

ClinVar aggregate classification (germline): Benign/Likely benign. Review status: criteria provided, multiple submitters, no conflicts (2 of 4 stars). 2 submissions from 2 submitters: Benign (1); Likely benign (1). Last evaluated 2026-08-04.

Conditions:
Hereditary pheochromocytoma and paraganglioma. Also called: Hereditary paragangliomas and pheochromocytomas; Hereditary Paraganglioma-Pheochromocytoma Syndromes; Hereditary pheochromocytoma-paraganglioma. Identifiers: Orphanet 29072, MedGen C4274332, MONDO:0017366.
Pheochromocytoma/paraganglioma syndrome 2. Also called: SDHAF2-Related Hereditary Paraganglioma-Pheochromocytoma Syndrome; GLOMUS TUMORS, FAMILIAL, 2; Paragangliomas 2; SDHAF2-Related Hereditary Paraganglioma-Pheochromocytoma Syndrome (Paragangliomas 2). Identifiers: Orphanet 29072, MedGen C1866552, MONDO:0011121, OMIM 601650.

Submissions (2):

Myriad Genetics, Inc.
Classification: Benign for Pheochromocytoma/paraganglioma syndrome 2. Last evaluated: 2026-08-04. Review status: criteria provided, single submitter. Criteria: Myriad Autosomal Dominant, Autosomal Recessive and X-Linked Classification Criteria (2023). Collection method: clinical testing. Allele origin: unknown.
Comment: This variant is considered benign. This variant is a silent/synonymous amino acid change and it is not expected to impact splicing.

Labcorp Genetics (formerly Invitae), Labcorp
Classification: Likely benign for Hereditary pheochromocytoma and paraganglioma. Last evaluated: 2020-12-31. Review status: criteria provided, single submitter. Criteria: Invitae Variant Classification Sherloc (09022015). Collection method: clinical testing. Allele origin: germline.